The following is an entry in ClinVar:

ClinVar aggregate classification (germline): Uncertain significance (1 of 4 stars; one submission).

gnomAD v4.1: 1 of 1,613,890 alleles (0.000062%); highest among the groups gnomAD compares: Non-Finnish European, 0.000085%; no homozygotes.

Submission:

Labcorp Genetics (formerly Invitae), Labcorp
Classification: Uncertain significance. Last evaluated: 2025-08-28. Review status: criteria provided, single submitter. Criteria: Invitae Variant Classification Sherloc (09022015). Collection method: clinical testing. Allele origin: germline.
Comment: This sequence change replaces lysine, which is basic and polar, with arginine, which is basic and polar, at codon 691 of the OPA1 protein (p.Lys691Arg). This variant is not present in population databases (gnomAD no frequency). This variant has not been reported in the literature in individuals affected with OPA1-related conditions. Invitae Evidence Modeling of protein sequence and biophysical properties (such as structural, functional, and spatial information, amino acid conservation, physicochemical variation, residue mobility, and thermodynamic stability) indicates that this missense variant is not expected to disrupt OPA1 protein function with a negative predictive value of 80%. In summary, the available evidence is currently insufficient to determine the role of this variant in disease. Therefore, it has been classified as a Variant of Uncertain Significance.

NM_130837.3(OPA1):c.2237A>G (p.Lys746Arg)

Gene: OPA1 (OPA1 mitochondrial dynamin like GTPase; plus strand). Cytogenetic location: 3q29.
Variant type: single nucleotide variant.
Coding change: c.2237A>G on transcript NM_130837.3 (MANE Select); coding-DNA position 2237, A replaced by G.
Protein change: p.Lys746Arg; replaces lysine 746 with arginine.
Molecular consequence: missense variant.
Genome position (GRCh38, 1-based): chr3:193,657,138, A>G. VCF-style: chr3-193657138-A-G. GRCh37 (hg19) VCF-style: chr3-193374927-A-G.
Other names: c.1703A>G, p.Lys568Arg (NM_001354663.2); c.1700A>G, p.Lys567Arg (NM_001354664.2); c.2072A>G, p.Lys691Arg (NM_015560.3); c.1964A>G, p.Lys655Arg (NM_130831.3); c.2018A>G, p.Lys673Arg (NM_130832.3); c.2075A>G, p.Lys692Arg (NM_130833.3); c.2126A>G, p.Lys709Arg (NM_130834.3); c.2129A>G, p.Lys710Arg (NM_130835.3); and 1 more; short protein forms K568R, K655R, K692R, K728R, K746R, K691R, K709R, K567R.
Identifiers: ClinVar variation 4739955 (VCV004739955.1).